The following is an entry in ClinVar:

NM_177438.3(DICER1):c.3196A>G (p.Thr1066Ala)

Gene: DICER1 (dicer 1, ribonuclease III; minus strand). Cytogenetic location: 14q32.13.
Variant type: single nucleotide variant.
Coding change: c.3196A>G on transcript NM_177438.3 (MANE Select); coding-DNA position 3196, A replaced by G.
Protein change: p.Thr1066Ala; replaces threonine 1066 with alanine.
Molecular consequence: missense variant.
Genome position (GRCh38, 1-based): chr14:95,105,144, T>C on the plus strand (A>G on the coding strand, the complement: DICER1 is on the minus strand). VCF-style: chr14-95105144-T-C. GRCh37 (hg19) VCF-style: chr14-95571481-T-C.
Other names: c.3196A>G, p.Thr1066Ala (NM_001195573.1, NM_001271282.3, NM_001291628.2 and 1 more transcripts); short protein forms T1066A.
Identifiers: ClinVar variation 839423 (VCV000839423.11), dbSNP rs1891298079, ClinGen allele CA390876557.

ClinVar aggregate classification (germline): Uncertain significance (1 of 4 stars; one submission).

Conditions:
DICER1-related tumor predisposition. Also called: DICER1 syndrome; DICER1-related pleuropulmonary blastoma cancer predisposition syndrome. Identifiers: Orphanet 284343, MedGen C3839822, MONDO:0100216.

Submission:

Labcorp Genetics (formerly Invitae), Labcorp
Classification: Uncertain significance for DICER1-related tumor predisposition. Last evaluated: 2022-11-25. Review status: criteria provided, single submitter. Criteria: Invitae Variant Classification Sherloc (09022015). Collection method: clinical testing. Allele origin: germline.
Comment: This sequence change replaces threonine, which is neutral and polar, with alanine, which is neutral and non-polar, at codon 1066 of the DICER1 protein (p.Thr1066Ala). This variant is not present in population databases (gnomAD no frequency). This variant has not been reported in the literature in individuals affected with DICER1-related conditions. ClinVar contains an entry for this variant (Variation ID: 839423). Advanced modeling of protein sequence and biophysical properties (such as structural, functional, and spatial information, amino acid conservation, physicochemical variation, residue mobility, and thermodynamic stability) performed at Invitae indicates that this missense variant is not expected to disrupt DICER1 protein function. In summary, the available evidence is currently insufficient to determine the role of this variant in disease. Therefore, it has been classified as a Variant of Uncertain Significance.